The following is an entry in ClinVar:

ClinVar aggregate classification (germline): Uncertain significance (1 of 4 stars; one submission).

Conditions:
Lethal multiple pterygium syndrome (LMPS). Identifiers: Orphanet 33108, MedGen C1854678, MONDO:0009668, OMIM 253290.

Submission:

Labcorp Genetics (formerly Invitae), Labcorp
Classification: Uncertain significance for Lethal multiple pterygium syndrome. Last evaluated: 2019-07-28. Review status: criteria provided, single submitter. Criteria: Invitae Variant Classification Sherloc (09022015). Collection method: clinical testing. Allele origin: germline.
Comment: In summary, the available evidence is currently insufficient to determine the role of this variant in disease. Therefore, it has been classified as a Variant of Uncertain Significance. Algorithms developed to predict the effect of missense changes on protein structure and function are either unavailable or do not agree on the potential impact of this missense change (SIFT: "Tolerated"; PolyPhen-2: "Possibly Damaging"; Align-GVGD: "Class C0"). This variant has not been reported in the literature in individuals with CHRNA1-related conditions. This variant is not present in population databases (ExAC no frequency). This sequence change replaces lysine with glutamine at codon 350 of the CHRNA1 protein (p.Lys350Gln). The lysine residue is highly conserved and there is a small physicochemical difference between lysine and glutamine.

NM_000079.4(CHRNA1):c.1048A>C (p.Lys350Gln)

Gene: CHRNA1 (cholinergic receptor nicotinic alpha 1 subunit; minus strand). Cytogenetic location: 2q31.1.
Variant type: single nucleotide variant.
Coding change: c.1048A>C on transcript NM_000079.4 (MANE Select); coding-DNA position 1048, A replaced by C.
Protein change: p.Lys350Gln; replaces lysine 350 with glutamine.
Molecular consequence: missense variant.
Genome position (GRCh38, 1-based): chr2:174,748,774, T>G on the plus strand (A>C on the coding strand, the complement: CHRNA1 is on the minus strand). VCF-style: chr2-174748774-T-G. GRCh37 (hg19) VCF-style: chr2-175613502-T-G.
Other names: c.1123A>C, p.Lys375Gln (NM_001039523.3); short protein forms K350Q, K375Q.
Identifiers: ClinVar variation 941227 (VCV000941227.9), dbSNP rs1683788396, ClinGen allele CA349335191.